The following is an entry in ClinVar:

NC_000020.10:g.(?_43595152)_(43708663_?)del

Gene: STK4 (serine/threonine kinase 4; plus strand). Cytogenetic location: 20q13.12.
Variant type: Deletion.
Identifiers: ClinVar variation 4849144 (VCV004849144.1).

ClinVar aggregate classification (germline): Pathogenic (1 of 4 stars; one submission).

Conditions:
Combined immunodeficiency due to STK4 deficiency (IMD110). Also called: STK4 DEFICIENCY; MST1 DEFICIENCY; T-cell immunodeficiency, recurrent infections, and autoimmunity with or without cardiac malformations. Identifiers: Orphanet 314689, MedGen C3553943, MONDO:0013934, OMIM 614868.

Submission:

Women's Health and Genetics/Laboratory Corporation of America, LabCorp
Classification: Pathogenic for Combined immunodeficiency due to STK4 deficiency. Last evaluated: 2026-04-29. Review status: criteria provided, single submitter. Criteria: LabCorp Variant Classification Summary - May 2015. Collection method: clinical testing. Allele origin: germline.
Comment: Variant summary: The variant involves the deletion of exons 1-11 in the STK4 gene. A presumed nomenclature of c.(?_-58)_(*4846_?)del has been designated for the purposes of this classification. This deletion includes the entire coding sequence of the gene. As the exact proximal and distal breakpoints are unknown, it may extend beyond the annotated region of the gene to include other flanking genes. Loss-of-function variants in this gene are known to be pathogenic. The variant was absent in 21694 control chromosomes. To our knowledge, no occurrence of c.(?_-58)_(*4846_?)del in individuals affected with STK4-related conditions have been reported. No submitters have cited clinical-significance assessments for this variant to ClinVar. Based on the evidence outlined above, the variant was classified as pathogenic.